The following is an entry in ClinVar:

ClinVar aggregate classification (germline): Benign. Review status: criteria provided, multiple submitters, no conflicts (2 of 4 stars). 2 submissions from 2 submitters: Benign (2). Last evaluated 2018-06-14.

Allele frequency attached by ClinVar (database versions not stated): gnomAD 0.35988 and 0.36715; TOPMed 0.37286; 1000 Genomes Project 30x 0.41646; 1000 Genomes Project 0.42053.
gnomAD v4.1: 156,932 of 401,214 alleles (39%); highest among the groups gnomAD compares: East Asian, 66%; 32,511 homozygotes.

Submissions (2):

GeneDx
Classification: Benign. Last evaluated: 2018-06-14. Review status: criteria provided, single submitter. Criteria: GeneDx Variant Classification (06012015). Collection method: clinical testing. Allele origin: germline. Affected: yes.
Comment: This variant is considered likely benign or benign based on one or more of the following criteria: it is a conservative change, it occurs at a poorly conserved position in the protein, it is predicted to be benign by multiple in silico algorithms, and/or has population frequency not consistent with disease.

Breakthrough Genomics
Classification: Benign. Review status: criteria provided, single submitter. Criteria: ACMG Guidelines, 2015. Collection method: not provided. Allele origin: germline. Inheritance: Autosomal recessive inheritance. Affected: yes.

NM_003982.4(SLC7A7):c.500-279T>C

Gene: SLC7A7 (solute carrier family 7 member 7; minus strand). Cytogenetic location: 14q11.2.
Variant type: single nucleotide variant.
Coding change: c.500-279T>C on transcript NM_003982.4 (MANE Select); 279 bases into the intron before coding-DNA position 500, T replaced by C.
Molecular consequence: intron variant.
Genome position (GRCh38, 1-based): chr14:22,780,330, A>G on the plus strand (T>C on the coding strand, the complement: SLC7A7 is on the minus strand). VCF-style: chr14-22780330-A-G. GRCh37 (hg19) VCF-style: chr14-23249539-A-G.
Other names: c.500-279T>C (NM_001126106.4, NM_001126105.3).
Identifiers: ClinVar variation 667492 (VCV000667492.2), dbSNP rs12433985, ClinGen allele CA14052930.